The following is an entry in ClinVar:

ClinVar aggregate classification (germline): Uncertain significance (1 of 4 stars; one submission).

Conditions:
Hereditary cancer-predisposing syndrome. Also called: Tumor predisposition; Hereditary Cancer Syndrome; Hereditary neoplastic syndrome; Neoplastic Syndromes, Hereditary. Identifiers: Orphanet 140162, MedGen C0027672, MeSH D009386, MONDO:0015356.

Submission:

Ambry Genetics
Classification: Uncertain significance for Hereditary cancer-predisposing syndrome. Last evaluated: 2025-10-29. Review status: criteria provided, single submitter. Criteria: Ambry Variant Classification Scheme 2023. Collection method: clinical testing. Allele origin: germline.
Comment: The p.L159R variant (also known as c.476T>G), located in coding exon 4 of the SDHD gene, results from a T to G substitution at nucleotide position 476. The leucine at codon 159 is replaced by arginine, an amino acid with dissimilar properties. This amino acid position is conserved. In addition, this alteration is predicted to be deleterious by in silico analysis. Based on the available evidence, the clinical significance of this variant remains unclear.

NM_003002.4(SDHD):c.476T>G (p.Leu159Arg)

Gene: SDHD (succinate dehydrogenase complex subunit D; plus strand). Cytogenetic location: 11q23.1.
Variant type: single nucleotide variant.
Coding change: c.476T>G on transcript NM_003002.4 (MANE Select); coding-DNA position 476, T replaced by G.
Protein change: p.Leu159Arg; replaces leucine 159 with arginine.
Molecular consequence: missense variant. On other transcripts: 3 prime UTR variant (2), non-coding transcript variant (1).
Genome position (GRCh38, 1-based): chr11:112,094,966, T>G. VCF-style: chr11-112094966-T-G. GRCh37 (hg19) VCF-style: chr11-111965690-T-G.
Other names: c.*73T>G (NM_001276503.2); c.359T>G, p.Leu120Arg (NM_001276504.2); c.*174T>G (NM_001276506.2); short protein forms L120R, L159R.
Identifiers: ClinVar variation 4548417 (VCV004548417.1).